The following is an entry in ClinVar:

NM_004371.4(COPA):c.1219+5G>A

Gene: COPA (coat protein complex I subunit alpha; minus strand). Cytogenetic location: 1q23.2.
Variant type: single nucleotide variant.
Coding change: c.1219+5G>A on transcript NM_004371.4 (MANE Select); 5 bases into the intron after coding-DNA position 1219, G replaced by A.
Molecular consequence: intron variant.
Genome position (GRCh38, 1-based): chr1:160,309,096, C>T on the plus strand (G>A on the coding strand, the complement: COPA is on the minus strand). VCF-style: chr1-160309096-C-T. GRCh37 (hg19) VCF-style: chr1-160278886-C-T.
Other names: c.1219+5G>A (NM_001098398.2).
Identifiers: ClinVar variation 2192923 (VCV002192923.5), dbSNP rs778616227, ClinGen allele CA1198170.

ClinVar aggregate classification (germline): Uncertain significance (1 of 4 stars; one submission).

Conditions:
Autoimmune interstitial lung disease-arthritis syndrome. Also called: Autoinflammation and autoimmunity, systemic, with immune dysregulation. Identifiers: Orphanet 444092, MedGen C5975714, MONDO:0014629.

Allele frequency attached by ClinVar (database versions not stated): ExAC 0.00002; gnomAD exomes 0.00003; TOPMed 0.00003; gnomAD 0.00008.
gnomAD v4.1: 56 of 1,611,644 alleles (0.0035%); highest among the groups gnomAD compares: Non-Finnish European, 0.0048%; no homozygotes.

Submissions (2):

Labcorp Genetics (formerly Invitae), Labcorp
Classification: Uncertain significance for Autoimmune interstitial lung disease-arthritis syndrome. Last evaluated: 2025-06-27. Review status: criteria provided, single submitter. Criteria: Invitae Variant Classification Sherloc (09022015). Collection method: clinical testing. Allele origin: germline.
Comment: This sequence change falls in intron 13 of the COPA gene. It does not directly change the encoded amino acid sequence of the COPA protein. It affects a nucleotide within the consensus splice site. This variant is present in population databases (rs778616227, gnomAD 0.009%). This variant has not been reported in the literature in individuals affected with COPA-related conditions. ClinVar contains an entry for this variant (Variation ID: 2192923). Variants that disrupt the consensus splice site are a relatively common cause of aberrant splicing (PMID: 17576681, 9536098). Algorithms developed to predict the effect of sequence changes on RNA splicing suggest that this variant is not likely to affect RNA splicing. In summary, the available evidence is currently insufficient to determine the role of this variant in disease. Therefore, it has been classified as a Variant of Uncertain Significance.

Dr. Peter K. Rogan Lab, Western University
No classification provided (evidence only). Condition: Familial cancer of breast. Review status: no classification provided. Collection method: in vitro. Allele origin: not applicable. Functional consequence: retained intron. Not counted in ClinVar's aggregate classification.

Literature cited by the submitters: PubMed 17576681 (cited by Labcorp Genetics (formerly Invitae), Labcorp); PubMed 9536098 (cited by Labcorp Genetics (formerly Invitae), Labcorp).